The following is an entry in ClinVar:

ClinVar aggregate classification (germline): Uncertain significance (1 of 4 stars; one submission).

Conditions:
VPS35L-related disorder. Also called: VPS35L-related condition.

Allele frequency attached by ClinVar (database versions not stated): 1000 Genomes Project 0.00040; ExAC 0.00049; gnomAD 0.00051; TOPMed 0.00051; 1000 Genomes Project 30x 0.00062; ESP Exome Variant Server 0.00077; gnomAD exomes 0.00079.
gnomAD v4.1: 1,246 of 1,613,928 alleles (0.077%); highest among the groups gnomAD compares: Non-Finnish European, 0.094%; 2 homozygotes.

Submission:

PreventionGenetics, part of Exact Sciences
Classification: Uncertain significance for VPS35L-related condition. Last evaluated: 2023-06-26. Review status: criteria provided, single submitter. Criteria: ACMG Guidelines, 2015. Collection method: clinical testing. Allele origin: germline.
Comment: The VPS35L c.3153G>C variant is predicted to result in the amino acid substitution p.Arg1051Ser. To our knowledge, this variant has not been reported in the literature. This variant is reported in 0.069% of alleles in individuals of European (Non-Finnish) descent in gnomAD. At this time, the clinical significance of this variant is uncertain due to the absence of conclusive functional and genetic evidence.

NM_020314.7(VPS35L):c.2886G>C (p.Arg962Ser)

Gene: VPS35L (VPS35 endosomal protein sorting factor like; plus strand). Cytogenetic location: 16p12.3.
Variant type: single nucleotide variant.
Coding change: c.2886G>C on transcript NM_020314.7 (MANE Select); coding-DNA position 2886, G replaced by C.
Protein change: p.Arg962Ser; replaces arginine 962 with serine.
Molecular consequence: missense variant. On other transcripts: non-coding transcript variant (2).
Genome position (GRCh38, 1-based): chr16:19,700,470, G>C. VCF-style: chr16-19700470-G-C. GRCh37 (hg19) VCF-style: chr16-19711792-G-C.
Other names: c.2607G>C, p.Arg869Ser (NM_001300743.3); c.2808G>C, p.Arg936Ser (NM_001365293.2); c.2685G>C, p.Arg895Ser (NM_001365294.2); c.1998G>C, p.Arg666Ser (NM_001365295.2); short protein forms R666S, R869S, R895S, R936S, R962S.
Identifiers: ClinVar variation 2634212 (VCV002634212.1), dbSNP rs140163660, ClinGen allele CA7937085.